The following is an entry in ClinVar:

NM_000531.6(OTC):c.943G>C (p.Val315Leu)

Gene: OTC (ornithine transcarbamylase; plus strand). Cytogenetic location: Xp11.4.
Variant type: single nucleotide variant.
Coding change: c.943G>C on transcript NM_000531.6 (MANE Select); coding-DNA position 943, G replaced by C.
Protein change: p.Val315Leu; replaces valine 315 with leucine.
Molecular consequence: missense variant.
Genome position (GRCh38, 1-based): chrX:38,411,937, G>C. VCF-style: chrX-38411937-G-C. GRCh37 (hg19) VCF-style: chrX-38271190-G-C.
Other names: c.943G>C, p.Val315Leu (NM_001407092.1); short protein forms V315L.
Identifiers: ClinVar variation 4801006 (VCV004801006.1).

ClinVar aggregate classification (germline): Likely pathogenic (1 of 4 stars; one submission).

Conditions:
Ornithine carbamoyltransferase deficiency (OTCD). Also called: OTC DEFICIENCY; Ornithine Carbamoyltransferase Deficiency Disease; ORNITHINE TRANSCARBAMYLASE DEFICIENCY; ORNITHINE TRANSCARBAMYLASE DEFICIENCY, HYPERAMMONEMIA DUE TO. Identifiers: Orphanet 664, MedGen C0268542, MONDO:0010703, OMIM 311250.

Submission:

Labcorp Genetics (formerly Invitae), Labcorp
Classification: Likely pathogenic for Ornithine carbamoyltransferase deficiency. Last evaluated: 2025-09-30. Review status: criteria provided, single submitter. Criteria: Invitae Variant Classification Sherloc (09022015). Collection method: clinical testing. Allele origin: germline.
Comment: This sequence change replaces valine, which is neutral and non-polar, with leucine, which is neutral and non-polar, at codon 315 of the OTC protein (p.Val315Leu). This variant is not present in population databases (gnomAD no frequency). This variant has not been reported in the literature in individuals affected with OTC-related conditions. Invitae Evidence Modeling of protein sequence and biophysical properties (such as structural, functional, and spatial information, amino acid conservation, physicochemical variation, residue mobility, and thermodynamic stability) indicates that this missense variant is expected to disrupt OTC protein function with a positive predictive value of 95%. This variant disrupts the p.Val315 amino acid residue in OTC. Other variant(s) that disrupt this residue have been determined to be pathogenic (PMID: 10946359, 16786505; internal data). This suggests that this residue is clinically significant, and that variants that disrupt this residue are likely to be disease-causing. In summary, the currently available evidence indicates that the variant is pathogenic, but additional data are needed to prove that conclusively. Therefore, this variant has been classified as Likely Pathogenic.

Literature cited by the submitters: PubMed 10946359; PubMed 16786505.